The following is an entry in ClinVar:

ClinVar aggregate classification (germline): Uncertain significance. Review status: criteria provided, multiple submitters, no conflicts (2 of 4 stars). 2 submissions from 2 submitters: Uncertain significance (2). Last evaluated 2023-01-01.

Conditions:
Aortic valve disease 2 (AOVD2). Identifiers: MedGen C3542024, MONDO:0013902, OMIM 614823.

Submissions (2):

CeGaT Center for Human Genetics Tuebingen
Classification: Uncertain significance. Last evaluated: 2023-01-01. Review status: criteria provided, single submitter. Criteria: CeGaT Center For Human Genetics Tuebingen Variant Classification Criteria Version 2. Collection method: clinical testing. Allele origin: germline. Affected: yes. Observed: 1 variant allele.
Comment: TBX5: PM2, BP4

Labcorp Genetics (formerly Invitae), Labcorp
Classification: Uncertain significance for Aortic valve disease 2. Last evaluated: 2022-02-21. Review status: criteria provided, single submitter. Criteria: Invitae Variant Classification Sherloc (09022015). Collection method: clinical testing. Allele origin: germline.
Comment: In summary, the available evidence is currently insufficient to determine the role of this variant in disease. Therefore, it has been classified as a Variant of Uncertain Significance. Advanced modeling of protein sequence and biophysical properties (such as structural, functional, and spatial information, amino acid conservation, physicochemical variation, residue mobility, and thermodynamic stability) performed at Invitae indicates that this missense variant is not expected to disrupt TBX5 protein function. This variant has not been reported in the literature in individuals affected with TBX5-related conditions. This variant is not present in population databases (gnomAD no frequency). This sequence change replaces serine, which is neutral and polar, with asparagine, which is neutral and polar, at codon 515 of the TBX5 protein (p.Ser515Asn).

NM_181486.4(TBX5):c.1544G>A (p.Ser515Asn)

Gene: TBX5 (T-box transcription factor 5; minus strand). Cytogenetic location: 12q24.21.
Variant type: single nucleotide variant.
Coding change: c.1544G>A on transcript NM_181486.4 (MANE Select); coding-DNA position 1544, G replaced by A.
Protein change: p.Ser515Asn; replaces serine 515 with asparagine.
Molecular consequence: missense variant.
Genome position (GRCh38, 1-based): chr12:114,355,545, C>T on the plus strand (G>A on the coding strand, the complement: TBX5 is on the minus strand). VCF-style: chr12-114355545-C-T. GRCh37 (hg19) VCF-style: chr12-114793350-C-T.
Other names: c.1544G>A, p.Ser515Asn (NM_000192.3); c.1394G>A, p.Ser465Asn (NM_080717.4); short protein forms S465N, S515N.
Identifiers: ClinVar variation 2194350 (VCV002194350.28), dbSNP rs2540424390, ClinGen allele CA386924838.
Genomic context (GRCh38, chr12:114,355,545, plus strand): 5'-CTCTCTCTCTTTCTCTAGGAAATGTCTGTTGTGAAGCAGGCCTCACTTTAGCTATTGTCG[C>T]TCCACTCTGGCACCATGCCAACTCCGTGCACAGAGTGGTACTGATGAGGGGATAGAGTCC-3'
Protein context (NP_852259.1, residues 505-518): VHGVGMVPEW[Ser515Asn]DNS